The following is an entry in ClinVar:

NM_177438.3(DICER1):c.3256C>A (p.Pro1086Thr)

Gene: DICER1 (dicer 1, ribonuclease III; minus strand). Cytogenetic location: 14q32.13.
Variant type: single nucleotide variant.
Coding change: c.3256C>A on transcript NM_177438.3 (MANE Select); coding-DNA position 3256, C replaced by A.
Protein change: p.Pro1086Thr; replaces proline 1086 with threonine.
Molecular consequence: missense variant. On other transcripts: non-coding transcript variant (6).
Genome position (GRCh38, 1-based): chr14:95,105,084, G>T on the plus strand (C>A on the coding strand, the complement: DICER1 is on the minus strand). VCF-style: chr14-95105084-G-T. GRCh37 (hg19) VCF-style: chr14-95571421-G-T.
Other names: c.3256C>A, p.Pro1086Thr (NM_001271282.3, NM_001195573.1, NM_001291628.2 and 13 more transcripts); c.2974C>A, p.Pro992Thr (NM_001395686.1); c.2851C>A, p.Pro951Thr (NM_001395687.1, NM_001395688.1, NM_001395689.1 and 2 more transcripts); c.2689C>A, p.Pro897Thr (NM_001395691.1); c.1573C>A, p.Pro525Thr (NM_001395697.1); short protein forms P951T, P992T, P525T, P897T, P1086T.
Identifiers: ClinVar variation 2566186 (VCV002566186.3), dbSNP rs2542750671, ClinGen allele CA390876292.

ClinVar aggregate classification (germline): Uncertain significance (1 of 4 stars; one submission).

Conditions:
Hereditary cancer-predisposing syndrome. Also called: Neoplastic Syndromes, Hereditary; Hereditary Cancer Syndrome; Hereditary neoplastic syndrome; Tumor predisposition. Identifiers: Orphanet 140162, MedGen C0027672, MeSH D009386, MONDO:0015356.

Allele frequency attached by ClinVar (database versions not stated): gnomAD exomes below 0.00001.
gnomAD v4.1: 2 of 1,614,102 alleles (0.00012%); highest among the groups gnomAD compares: Non-Finnish European, 0.00017%; no homozygotes.

Submission:

Ambry Genetics
Classification: Uncertain significance for Hereditary cancer-predisposing syndrome. Last evaluated: 2025-10-02. Review status: criteria provided, single submitter. Criteria: Ambry Variant Classification Scheme 2023. Collection method: clinical testing. Allele origin: germline.
Comment: The p.P1086T variant (also known as c.3256C>A), located in coding exon 19 of the DICER1 gene, results from a C to A substitution at nucleotide position 3256. The proline at codon 1086 is replaced by threonine, an amino acid with highly similar properties. This amino acid position is highly conserved in available vertebrate species. In addition, the in silico prediction for this alteration is inconclusive. Based on the available evidence, the clinical significance of this variant remains unclear.